The following is an entry in ClinVar:

NM_181882.3(PRX):c.3145G>A (p.Gly1049Ser)

Gene: PRX (periaxin; minus strand). Cytogenetic location: 19q13.2.
Variant type: single nucleotide variant.
Coding change: c.3145G>A on transcript NM_181882.3 (MANE Select); coding-DNA position 3145, G replaced by A.
Protein change: p.Gly1049Ser; replaces glycine 1049 with serine.
Molecular consequence: missense variant. On other transcripts: 3 prime UTR variant (1).
Genome position (GRCh38, 1-based): chr19:40,395,207, C>T on the plus strand (G>A on the coding strand, the complement: PRX is on the minus strand). VCF-style: chr19-40395207-C-T. GRCh37 (hg19) VCF-style: chr19-40901114-C-T.
Other names: c.*3350G>A (NM_020956.2); short protein forms G1049S.
Identifiers: ClinVar variation 245745 (VCV000245745.15), dbSNP rs186086914, ClinGen allele CA9443914.

ClinVar aggregate classification (germline): Conflicting classifications of pathogenicity. Review status: criteria provided, conflicting classifications (1 of 4 stars). 4 submissions from 4 submitters: Uncertain significance (2); Likely benign (2). Last evaluated 2026-01-25.

Conditions:
Charcot-Marie-Tooth disease type 4. Also called: Charcot-Marie-Tooth disease, type IV; Charcot-Marie-Tooth, Type 4. Identifiers: Orphanet 64749, MedGen C4082197, MONDO:0018995.

Allele frequency attached by ClinVar (database versions not stated): ExAC 0.00008; gnomAD exomes 0.00027; gnomAD 0.00067; TOPMed 0.00075; 1000 Genomes Project 0.00100; 1000 Genomes Project 30x 0.00109.
gnomAD v4.1: 193 of 1,614,064 alleles (0.012%); highest among the groups gnomAD compares: Admixed American, 0.31%; 1 homozygote.

Submissions (4):

Labcorp Genetics (formerly Invitae), Labcorp
Classification: Likely benign for Charcot-Marie-Tooth disease type 4. Last evaluated: 2026-01-25. Review status: criteria provided, single submitter. Criteria: Invitae Variant Classification Sherloc (09022015). Collection method: clinical testing. Allele origin: germline.

Blueprint Genetics
Classification: Likely benign. Last evaluated: 2021-06-10. Review status: criteria provided, single submitter. Criteria: ACMG Guidelines, 2015. Collection method: clinical testing. Allele origin: germline.

Revvity Omics, Revvity
Classification: Uncertain significance. Last evaluated: 2020-08-03. Review status: criteria provided, single submitter. Criteria: ACMG Guidelines, 2015. Collection method: clinical testing. Allele origin: germline.

GeneDx
Classification: Uncertain significance. Last evaluated: 2015-04-30. Review status: criteria provided, single submitter. Criteria: GeneDx Variant Classification (06012015). Collection method: clinical testing. Allele origin: germline. Affected: yes.
Comment: The G1049S variant has not been published as pathogenic nor has it been reported as a benign polymorphism to our knowledge. It was not observed in approximately 6,500 individuals of European and African American ancestry in the NHLBI Exome Sequencing Project; however, the 1000 Genomes Project reports G1049S was observed in 5/188 (2.7%) alleles from individuals of Colombian background, indicating it may be a rare (benign) variant in this population. This substitution occurs at a position that is not conserved, and Serine is observed at this position in other mammals. However, the G1049S variant is a non-conservative amino acid substitution, which is likely to impact secondary protein structure as these residues differ in polarity, charge, size and/or other properties. In silico analysis is inconsistent in its predictions as to whether or not the variant is damaging to the protein structure/function. Therefore, based on the currently available information, it is unclear whether this variant is a pathogenic or a rare benign variant.